The following is an entry in ClinVar:

ClinVar aggregate classification (germline): Pathogenic (1 of 4 stars; one submission).

Conditions:
Cardiovascular phenotype. Identifiers: MedGen CN230736.
Hereditary cancer-predisposing syndrome. Also called: Tumor predisposition; Hereditary neoplastic syndrome; Neoplastic Syndromes, Hereditary; Hereditary Cancer Syndrome. Identifiers: Orphanet 140162, MedGen C0027672, MeSH D009386, MONDO:0015356.

Submission:

Ambry Genetics
Classification: Pathogenic for Cardiovascular phenotype; Hereditary cancer-predisposing syndrome. Last evaluated: 2025-03-31. Review status: criteria provided, single submitter. Criteria: Ambry Variant Classification Scheme 2023. Collection method: clinical testing. Allele origin: germline.
Comment: The c.6002delG pathogenic mutation, located in coding exon 40 of the NF1 gene, results from a deletion of one nucleotide at nucleotide position 6002, causing a translational frameshift with a predicted alternate stop codon (p.G2001Afs*5). This variant is considered to be rare based on population cohorts in the Genome Aggregation Database (gnomAD). This alteration is expected to result in loss of function by premature protein truncation or nonsense-mediated mRNA decay. As such, this alteration is interpreted as a disease-causing mutation.

NM_001042492.3(NF1):c.6065del (p.Gly2022fs)

Gene: NF1 (neurofibromin 1; plus strand). Cytogenetic location: 17q11.2.
Variant type: Deletion.
Coding change: c.6065del on transcript NM_001042492.3 (MANE Select); coding-DNA position 6065, one base deleted (G; older notation c.6065delG).
Protein change: p.Gly2022fs; shifts the reading frame from glycine 2022.
Molecular consequence: frameshift variant.
Genome position (GRCh38, 1-based): chr17:31,336,391, G deleted; the last of 2 consecutive G bases (chr17:31,336,390-31,336,391); deleting either gives the same sequence. VCF-style (leftmost placement, unchanged base first): chr17-31336389-TG-T. GRCh37 (hg19) VCF-style: chr17-29663407-TG-T.
Other names: c.6002delG (NM_000267.3); c.6002delG, p.Gly2001Alafs (NM_000267.4); short protein forms G2001fs, G2022fs.
Identifiers: ClinVar variation 4013126 (VCV004013126.1).